The following is an entry in ClinVar:

ClinVar aggregate classification (germline): Pathogenic (1 of 4 stars; one submission).

Conditions:
Intellectual developmental disorder, autosomal dominant 51. Also called: MENTAL RETARDATION, AUTOSOMAL DOMINANT 51; Intellectual disability, autosomal dominant 51. Identifiers: Orphanet 684226, MedGen C4540474, MONDO:0030917, OMIM 617788.

Submission:

Imagene.me medical diagnostic laboratory, IMAGENE.ME SA
Classification: Pathogenic for Intellectual developmental disorder, autosomal dominant 51. Review status: criteria provided, single submitter. Criteria: IMAGENE.ME Variant Classification SOP 2022. Collection method: clinical testing. Allele origin: de novo. Affected: yes.
Comment: Classified according to the IMAGENE.ME variant classification SOP based on the ACMG guidelines as Pathogenic (P): PVS1 + PM2_Supporting + PS2_Supporting

NM_017635.5(KMT5B):c.609C>G (p.Tyr203Ter)

Gene: KMT5B (lysine methyltransferase 5B; minus strand). Cytogenetic location: 11q13.2.
Variant type: single nucleotide variant.
Coding change: c.609C>G on transcript NM_017635.5 (MANE Select); coding-DNA position 609, C replaced by G.
Protein change: p.Tyr203Ter; replaces tyrosine 203 with a stop codon.
Molecular consequence: nonsense. On other transcripts: 5 prime UTR variant (1), non-coding transcript variant (3).
Genome position (GRCh38, 1-based): chr11:68,173,848, G>C on the plus strand (C>G on the coding strand, the complement: KMT5B is on the minus strand). VCF-style: chr11-68173848-G-C. GRCh37 (hg19) VCF-style: chr11-67941315-G-C.
Other names: c.93C>G, p.Tyr31Ter (NM_001300907.1, NM_001369424.1, NM_001369428.1 and 5 more transcripts); c.-59C>G (NM_001300908.2); c.540C>G, p.Tyr180Ter (NM_001300909.2); c.609C>G, p.Tyr203Ter (NM_001363566.2, NM_001369426.1, NM_001369427.1 and 1 more transcripts); c.396C>G, p.Tyr132Ter (NM_001369425.1); short protein forms Y132*, Y180*, Y203*, Y31*.
Identifiers: ClinVar variation 4685484 (VCV004685484.1).
Genomic context (GRCh38, chr11:68,173,848, plus strand): 5'-CTAGTAGAATAGTTACCACTCTTTTGTTGCAACTATTTTGGCTCCATTTTGTTCTGATGA[G>C]TATCTATTACATGGCAATATTTCAAATCCACTGTCAGTTGCAAACATTCGCAAATAAATA-3'